The following is an entry in ClinVar:

NM_020297.4(ABCC9):c.4223A>G (p.Asp1408Gly)

Genes: ABCC9 (ATP binding cassette subfamily C member 9; minus strand), KCNJ8-AS1 (KCNJ8 antisense RNA 1; plus strand). Cytogenetic location: 12p12.1.
Variant type: single nucleotide variant.
Coding change: c.4223A>G on transcript NM_020297.4 (MANE Select); coding-DNA position 4223, A replaced by G.
Protein change: p.Asp1408Gly; replaces aspartic acid 1408 with glycine.
Molecular consequence: missense variant.
Genome position (GRCh38, 1-based): chr12:21,809,944, T>C on the plus strand (A>G on the coding strand, the complement: ABCC9 is on the minus strand). VCF-style: chr12-21809944-T-C. GRCh37 (hg19) VCF-style: chr12-21962878-T-C.
Other names: c.4223A>G, p.Asp1408Gly (NM_001377273.1, NM_005691.4); c.3356A>G, p.Asp1119Gly (NM_001377274.1); short protein forms D1119G, D1408G.
Identifiers: ClinVar variation 2707412 (VCV002707412.3), dbSNP rs2540821853, ClinGen allele CA384133675.

ClinVar aggregate classification (germline): Uncertain significance (1 of 4 stars; one submission).

Conditions:
Dilated cardiomyopathy 1O (CMD1O). Also called: CARDIOMYOPATHY, DILATED, WITH VENTRICULAR TACHYCARDIA. Identifiers: Orphanet 154, MedGen C1837839, MONDO:0012062, OMIM 608569.

Allele frequency attached by ClinVar (database versions not stated): gnomAD exomes below 0.00001.
gnomAD v4.1: 1 of 1,608,640 alleles (0.000062%); highest among the groups gnomAD compares: Non-Finnish European, 0.000085%; no homozygotes.

Submission:

Labcorp Genetics (formerly Invitae), Labcorp
Classification: Uncertain significance for Dilated cardiomyopathy 1O. Last evaluated: 2024-01-04. Review status: criteria provided, single submitter. Criteria: Invitae Variant Classification Sherloc (09022015). Collection method: clinical testing. Allele origin: germline.
Comment: This sequence change replaces aspartic acid, which is acidic and polar, with glycine, which is neutral and non-polar, at codon 1408 of the ABCC9 protein (p.Asp1408Gly). This variant is not present in population databases (gnomAD no frequency). This variant has not been reported in the literature in individuals affected with ABCC9-related conditions. Advanced modeling of protein sequence and biophysical properties (such as structural, functional, and spatial information, amino acid conservation, physicochemical variation, residue mobility, and thermodynamic stability) performed at Invitae indicates that this missense variant is expected to disrupt ABCC9 protein function with a positive predictive value of 80%. In summary, the available evidence is currently insufficient to determine the role of this variant in disease. Therefore, it has been classified as a Variant of Uncertain Significance.